The following is an entry in ClinVar:

ClinVar aggregate classification (germline): Uncertain significance. Review status: criteria provided, multiple submitters, no conflicts (2 of 4 stars). 2 submissions from 2 submitters: Uncertain significance (2). Last evaluated 2023-09-12.

Conditions:
Predisposition to invasive fungal disease due to CARD9 deficiency (IMD103). Also called: CARD9 IMMUNODEFICIENCY; IMMUNODEFICIENCY 103, SUSCEPTIBILITY TO FUNGAL INFECTIONS; Candidiasis, familial, 2, autosomal recessive. Identifiers: Orphanet 457088, MedGen C1859353, MONDO:0008905, OMIM 212050.

Allele frequency attached by ClinVar (database versions not stated): TOPMed 0.00002; ESP Exome Variant Server 0.00008; 1000 Genomes Project 30x 0.00047; 1000 Genomes Project 0.00060.
gnomAD v4.1: 45 of 1,600,364 alleles (0.0028%); highest among the groups gnomAD compares: Non-Finnish European, 0.0037%; no homozygotes.

Submissions (2):

Blueprint Genetics
Classification: Uncertain significance. Last evaluated: 2023-09-12. Review status: criteria provided, single submitter. Criteria: ACMG Guidelines, 2015. Collection method: clinical testing. Allele origin: germline.

Labcorp Genetics (formerly Invitae), Labcorp
Classification: Uncertain significance for Predisposition to invasive fungal disease due to CARD9 deficiency. Last evaluated: 2022-06-18. Review status: criteria provided, single submitter. Criteria: Invitae Variant Classification Sherloc (09022015). Collection method: clinical testing. Allele origin: germline.
Comment: This sequence change replaces arginine, which is basic and polar, with tryptophan, which is neutral and slightly polar, at codon 364 of the CARD9 protein (p.Arg364Trp). This variant is present in population databases (rs151211588, gnomAD 0.007%). This variant has not been reported in the literature in individuals affected with CARD9-related conditions. ClinVar contains an entry for this variant (Variation ID: 661309). Algorithms developed to predict the effect of missense changes on protein structure and function are either unavailable or do not agree on the potential impact of this missense change (SIFT: "Deleterious"; PolyPhen-2: "Probably Damaging"; Align-GVGD: "Class C0"). In summary, the available evidence is currently insufficient to determine the role of this variant in disease. Therefore, it has been classified as a Variant of Uncertain Significance.

NM_052813.5(CARD9):c.1090C>T (p.Arg364Trp)

Gene: CARD9 (caspase recruitment domain family member 9; minus strand). Cytogenetic location: 9q34.3.
Variant type: single nucleotide variant.
Coding change: c.1090C>T on transcript NM_052813.5 (MANE Select); coding-DNA position 1090, C replaced by T.
Protein change: p.Arg364Trp; replaces arginine 364 with tryptophan.
Molecular consequence: missense variant.
Genome position (GRCh38, 1-based): chr9:136,367,816, G>A on the plus strand (C>T on the coding strand, the complement: CARD9 is on the minus strand). VCF-style: chr9-136367816-G-A. GRCh37 (hg19) VCF-style: chr9-139262268-G-A.
Other names: c.1090C>T, p.Arg364Trp (NM_052814.4); short protein forms R364W.
Identifiers: ClinVar variation 661309 (VCV000661309.9), dbSNP rs151211588, ClinGen allele CA5332834.